The following is an entry in ClinVar:

NM_003738.5(PTCH2):c.953G>A (p.Ser318Asn)

Gene: PTCH2 (patched 2; minus strand). Cytogenetic location: 1p34.1.
Variant type: single nucleotide variant.
Coding change: c.953G>A on transcript NM_003738.5 (MANE Select); coding-DNA position 953, G replaced by A.
Protein change: p.Ser318Asn; replaces serine 318 with asparagine.
Molecular consequence: missense variant.
Genome position (GRCh38, 1-based): chr1:44,829,744, C>T on the plus strand (G>A on the coding strand, the complement: PTCH2 is on the minus strand). VCF-style: chr1-44829744-C-T. GRCh37 (hg19) VCF-style: chr1-45295416-C-T.
Other names: c.953G>A, p.Ser318Asn (NM_001166292.2); short protein forms S318N.
Identifiers: ClinVar variation 1411363 (VCV001411363.8), dbSNP rs772366646, ClinGen allele CA823477.

ClinVar aggregate classification (germline): Uncertain significance (1 of 4 stars; one submission).

Conditions:
Gorlin syndrome. Also called: Nevoid Basal Cell Carcinoma Syndrome; Basal cell nevus syndrome. Identifiers: Orphanet 377, MedGen C0004779, MONDO:0007187.

Allele frequency attached by ClinVar (database versions not stated): ExAC 0.00001; gnomAD exomes 0.00001.
gnomAD v4.1: 5 of 1,614,234 alleles (0.00031%); highest among the groups gnomAD compares: Non-Finnish European, 0.00042%; no homozygotes.

Submission:

Labcorp Genetics (formerly Invitae), Labcorp
Classification: Uncertain significance for Gorlin syndrome. Last evaluated: 2020-11-16. Review status: criteria provided, single submitter. Criteria: Invitae Variant Classification Sherloc (09022015). Collection method: clinical testing. Allele origin: germline.
Comment: This variant is present in population databases (rs772366646, ExAC 0.002%). This sequence change replaces serine with asparagine at codon 318 of the PTCH2 protein (p.Ser318Asn). The serine residue is moderately conserved and there is a small physicochemical difference between serine and asparagine. This variant has not been reported in the literature in individuals with PTCH2-related conditions. Algorithms developed to predict the effect of missense changes on protein structure and function are either unavailable or do not agree on the potential impact of this missense change (SIFT: "Deleterious"; PolyPhen-2: "Possibly Damaging"; Align-GVGD: "Class C0"). In summary, the available evidence is currently insufficient to determine the role of this variant in disease. Therefore, it has been classified as a Variant of Uncertain Significance.